The following is an entry in ClinVar:

ClinVar aggregate classification (germline): Uncertain significance. Review status: criteria provided, multiple submitters, no conflicts (2 of 4 stars). 4 submissions from 4 submitters: Uncertain significance (4). Last evaluated 2026-01-22.

Conditions:
Inborn genetic diseases. Identifiers: MedGen C0950123, MeSH D030342.
Developmental delay with autism spectrum disorder and gait instability (MRT38). Also called: Intellectual developmental disorder, autosomal recessive 38. Identifiers: Orphanet 329195, MedGen C3809753, MONDO:0014224, OMIM 615516.

Allele frequency attached by ClinVar (database versions not stated): TOPMed 0.00023; gnomAD 0.00025; gnomAD exomes 0.00035 and 0.00042; ESP Exome Variant Server 0.00038; ExAC 0.00055.
gnomAD v4.1: 641 of 1,611,258 alleles (0.04%); highest among the groups gnomAD compares: Non-Finnish European, 0.052%; no homozygotes.

Submissions (4):

Ambry Genetics
Classification: Uncertain significance for Inborn genetic diseases. Last evaluated: 2026-01-22. Review status: criteria provided, single submitter. Criteria: Ambry Variant Classification Scheme 2023. Collection method: clinical testing. Allele origin: germline.
Comment: The c.233A>G (p.D78G) alteration is located in exon 4 (coding exon 3) of the HERC2 gene. This alteration results from a A to G substitution at nucleotide position 233, causing the aspartic acid (D) at amino acid position 78 to be replaced by a glycine (G). Based on data from gnomAD, the G allele has an overall frequency of 0.034% (96/281712) total alleles studied. The highest observed frequency was 0.074% (95/128586) of European (non-Finnish) alleles. Based on insufficient or conflicting evidence, the clinical significance of this alteration remains unclear.

CeGaT Center for Human Genetics Tuebingen
Classification: Uncertain significance. Last evaluated: 2026-01-01. Review status: criteria provided, single submitter. Criteria: CeGaT Center For Human Genetics Tuebingen Variant Classification Criteria Version 2. Collection method: clinical testing. Allele origin: germline. Affected: yes. Observed: 1 variant allele.
Comment: HERC2: PM2:Supporting

GeneDx
Classification: Uncertain significance. Last evaluated: 2025-09-25. Review status: criteria provided, single submitter. Criteria: GeneDx Variant Classification Process June 2021. Collection method: clinical testing. Allele origin: germline. Affected: yes.
Comment: In silico analysis suggests that this missense variant does not alter protein structure/function; Has not been previously published as pathogenic or benign to our knowledge

Baylor Genetics
Classification: Uncertain significance for Developmental delay with autism spectrum disorder and gait instability. Last evaluated: 2019-01-20. Review status: criteria provided, single submitter. Criteria: ACMG Guidelines, 2015. Collection method: clinical testing. Allele origin: unknown. Affected: yes.
Comment: This variant was determined to be of uncertain significance according to ACMG Guidelines, 2015 [PMID:25741868].

NM_004667.6(HERC2):c.233A>G (p.Asp78Gly)

Gene: HERC2 (HECT and RLD domain containing E3 ubiquitin protein ligase 2; minus strand). Cytogenetic location: 15q13.1.
Variant type: single nucleotide variant.
Coding change: c.233A>G on transcript NM_004667.6 (MANE Select); coding-DNA position 233, A replaced by G.
Protein change: p.Asp78Gly; replaces aspartic acid 78 with glycine.
Molecular consequence: missense variant.
Genome position (GRCh38, 1-based): chr15:28,292,977, T>C on the plus strand (A>G on the coding strand, the complement: HERC2 is on the minus strand). VCF-style: chr15-28292977-T-C. GRCh37 (hg19) VCF-style: chr15-28538123-T-C.
Other names: c.233A>G (NM_004667.4); short protein forms D78G.
Identifiers: ClinVar variation 1028803 (VCV001028803.10), dbSNP rs140630729, ClinGen allele CA267910998.